The following is an entry in ClinVar:

NM_000179.3(MSH6):c.172A>C (p.Arg58=)

Gene: MSH6 (mutS homolog 6; plus strand). Cytogenetic location: 2p16.3.
Variant type: single nucleotide variant.
Coding change: c.172A>C on transcript NM_000179.3 (MANE Select); coding-DNA position 172, A replaced by C.
Protein change: p.Arg58=; no amino-acid change (arginine 58 retained).
Molecular consequence: synonymous variant. On other transcripts: 5 prime UTR variant (1).
Genome position (GRCh38, 1-based): chr2:47,783,405, A>C. VCF-style: chr2-47783405-A-C. GRCh37 (hg19) VCF-style: chr2-48010544-A-C.
Other names: c.172A>C, p.Arg58= (NM_001281492.2); c.-565A>C (NM_001281493.2).
Identifiers: ClinVar variation 491882 (VCV000491882.14), dbSNP rs1553408313, ClinGen allele CA346734997.
Genomic context (GRCh38, chr2:47,783,405, plus strand): 5'-CCCGGGGCCTCTCCTTCCCCAGGCGGGGATGCGGCCTGGAGCGAGGCTGGGCCTGGGCCC[A>C]GGCCCTTGGCGCGCTCCGCGTCACCGCCCAAGGCGAAGAACCTCAACGGAGGGCTGCGGA-3'
Protein context (NP_000170.1, residues 48-68): AAWSEAGPGP[Arg58=]PLARSASPPK

ClinVar aggregate classification (germline): Benign/Likely benign. Review status: criteria provided, multiple submitters, no conflicts (2 of 4 stars). 4 submissions from 4 submitters: Benign (1); Likely benign (3). Last evaluated 2024-12-17.

Conditions:
Hereditary nonpolyposis colorectal neoplasms. Identifiers: MedGen C0009405, MeSH D003123.
Lynch syndrome 5 (LYNCH5). Also called: Colorectal cancer, hereditary nonpolyposis, type 5; Hereditary non-polyposis colorectal cancer, type 5. Identifiers: Orphanet 144, MedGen C1833477, MONDO:0013710, OMIM 614350. Disease mechanism: loss of function.
Hereditary cancer-predisposing syndrome. Also called: Hereditary neoplastic syndrome; Tumor predisposition; Hereditary Cancer Syndrome; Neoplastic Syndromes, Hereditary. Identifiers: Orphanet 140162, MedGen C0027672, MeSH D009386, MONDO:0015356.

Submissions (4):

Myriad Genetics, Inc.
Classification: Benign for Lynch syndrome 5. Last evaluated: 2024-12-17. Review status: criteria provided, single submitter. Criteria: Myriad Autosomal Dominant, Autosomal Recessive and X-Linked Classification Criteria (2023). Collection method: clinical testing. Allele origin: unknown.
Comment: This variant is considered benign. This variant is a silent/synonymous amino acid change and it is not expected to impact splicing.

Labcorp Genetics (formerly Invitae), Labcorp
Classification: Likely benign for Hereditary nonpolyposis colorectal neoplasms. Last evaluated: 2024-03-21. Review status: criteria provided, single submitter. Criteria: Invitae Variant Classification Sherloc (09022015). Collection method: clinical testing. Allele origin: germline.

Ambry Genetics
Classification: Likely benign for Hereditary cancer-predisposing syndrome. Last evaluated: 2022-02-24. Review status: criteria provided, single submitter. Criteria: Ambry Variant Classification Scheme 2023. Collection method: clinical testing. Allele origin: germline.

Color Diagnostics, LLC DBA Color Health
Classification: Likely benign for Hereditary cancer-predisposing syndrome. Last evaluated: 2016-12-19. Review status: criteria provided, single submitter. Criteria: ACMG Guidelines, 2015. Collection method: clinical testing. Allele origin: germline.